The following is an entry in ClinVar:

NM_000704.3(ATP4A):c.1256G>A (p.Gly419Glu)

Gene: ATP4A (ATPase H+/K+ transporting subunit alpha; minus strand). Cytogenetic location: 19q13.12.
Variant type: single nucleotide variant.
Coding change: c.1256G>A on transcript NM_000704.3 (MANE Select); coding-DNA position 1256, G replaced by A.
Protein change: p.Gly419Glu; replaces glycine 419 with glutamic acid.
Molecular consequence: missense variant.
Genome position (GRCh38, 1-based): chr19:35,558,686, C>T on the plus strand (G>A on the coding strand, the complement: ATP4A is on the minus strand). VCF-style: chr19-35558686-C-T. GRCh37 (hg19) VCF-style: chr19-36049588-C-T.
Other names: c.1256G>A (NM_000704.2); short protein forms G419E.
Identifiers: ClinVar variation 2732282 (VCV002732282.4), dbSNP rs200972944, ClinGen allele CA9381130.

ClinVar aggregate classification (germline): Uncertain significance. Review status: criteria provided, multiple submitters, no conflicts (2 of 4 stars). 2 submissions from 2 submitters: Uncertain significance (2). Last evaluated 2025-08-28.

Allele frequency attached by ClinVar (database versions not stated): gnomAD 0.00003; ESP Exome Variant Server 0.00008; TOPMed 0.00011; ExAC 0.00018.
gnomAD v4.1: 93 of 1,591,714 alleles (0.0058%); highest among the groups gnomAD compares: Admixed American, 0.012%; no homozygotes.

Submissions (2):

Ambry Genetics
Classification: Uncertain significance. Last evaluated: 2025-08-28. Review status: criteria provided, single submitter. Criteria: Ambry Variant Classification Scheme 2023. Collection method: clinical testing. Allele origin: germline.

Labcorp Genetics (formerly Invitae), Labcorp
Classification: Uncertain significance. Last evaluated: 2024-01-12. Review status: criteria provided, single submitter. Criteria: Invitae Variant Classification Sherloc (09022015). Collection method: clinical testing. Allele origin: germline.
Comment: This sequence change replaces glycine, which is neutral and non-polar, with glutamic acid, which is acidic and polar, at codon 419 of the ATP4A protein (p.Gly419Glu). This variant is present in population databases (rs200972944, gnomAD 0.2%), and has an allele count higher than expected for a pathogenic variant. This variant has not been reported in the literature in individuals affected with ATP4A-related conditions. An algorithm developed to predict the effect of missense changes on protein structure and function (PolyPhen-2) suggests that this variant is likely to be disruptive. Algorithms developed to predict the effect of sequence changes on RNA splicing suggest that this variant may disrupt the consensus splice site. In summary, the available evidence is currently insufficient to determine the role of this variant in disease. Therefore, it has been classified as a Variant of Uncertain Significance.